The following is an entry in ClinVar:

NM_005430.4(WNT1):c.576G>A (p.Arg192=)

Gene: WNT1 (Wnt family member 1; plus strand). Cytogenetic location: 12q13.12.
Variant type: single nucleotide variant.
Coding change: c.576G>A on transcript NM_005430.4 (MANE Select); coding-DNA position 576, G replaced by A.
Protein change: p.Arg192=; no amino-acid change (arginine 192 retained).
Molecular consequence: synonymous variant.
Genome position (GRCh38, 1-based): chr12:48,980,641, G>A. VCF-style: chr12-48980641-G-A. GRCh37 (hg19) VCF-style: chr12-49374424-G-A.
Identifiers: ClinVar variation 681130 (VCV000681130.1), dbSNP rs1592257482, ClinGen allele CA479704505.
Genomic context (GRCh38, chr12:48,980,641, plus strand): 5'-CAACATTGACTTCGGCCGCCTCTTCGGCCGGGAGTTCGTGGACTCCGGGGAGAAGGGGCG[G>A]GACCTGCGCTTCCTCATGAACCTTCACAACAACGAGGCAGGCCGTACGGTGAGCTTTGAG-3'
Protein context (NP_005421.1, residues 182-202): REFVDSGEKG[Arg192=]DLRFLMNLHN

ClinVar aggregate classification (germline): Likely benign (1 of 4 stars; one submission).

Allele frequency attached by ClinVar (database versions not stated): gnomAD exomes below 0.00001.
gnomAD v4.1: 1 of 1,589,944 alleles (0.000063%); highest among the groups gnomAD compares: Non-Finnish European, 0.000086%; no homozygotes.

Submission:

GeneDx
Classification: Likely benign. Last evaluated: 2018-03-20. Review status: criteria provided, single submitter. Criteria: GeneDx Variant Classification (06012015). Collection method: clinical testing. Allele origin: germline. Affected: yes.
Comment: This variant is considered likely benign or benign based on one or more of the following criteria: it is a conservative change, it occurs at a poorly conserved position in the protein, it is predicted to be benign by multiple in silico algorithms, and/or has population frequency not consistent with disease.